The following is an entry in ClinVar:

NM_004525.3(LRP2):c.3313G>C (p.Ala1105Pro)

Gene: LRP2 (LDL receptor related protein 2; minus strand). Cytogenetic location: 2q31.1.
Variant type: single nucleotide variant.
Coding change: c.3313G>C on transcript NM_004525.3 (MANE Select); coding-DNA position 3313, G replaced by C.
Protein change: p.Ala1105Pro; replaces alanine 1105 with proline.
Molecular consequence: missense variant.
Genome position (GRCh38, 1-based): chr2:169,244,810, C>G on the plus strand (G>C on the coding strand, the complement: LRP2 is on the minus strand). VCF-style: chr2-169244810-C-G. GRCh37 (hg19) VCF-style: chr2-170101320-C-G.
Other names: short protein forms A1105P.
Identifiers: ClinVar variation 3539661 (VCV003539661.5).

ClinVar aggregate classification (germline): Uncertain significance. Review status: criteria provided, multiple submitters, no conflicts (2 of 4 stars). 3 submissions from 3 submitters: Uncertain significance (3). Last evaluated 2025-10-03.

Conditions:
Donnai-Barrow syndrome. Also called: DBS/FOAR SYNDROME; FACIOOCULOACOUSTICORENAL SYNDROME. Identifiers: Orphanet 2143, MedGen C1857277, MONDO:0009104, OMIM 222448.
Inborn genetic diseases. Identifiers: MedGen C0950123, MeSH D030342.

gnomAD v4.1: 18 of 1,614,106 alleles (0.0011%); highest among the groups gnomAD compares: East Asian, 0.038%; no homozygotes.

Submissions (3):

Labcorp Genetics (formerly Invitae), Labcorp
Classification: Uncertain significance. Last evaluated: 2025-10-03. Review status: criteria provided, single submitter. Criteria: Invitae Variant Classification Sherloc (09022015). Collection method: clinical testing. Allele origin: germline.
Comment: This sequence change replaces alanine, which is neutral and non-polar, with proline, which is neutral and non-polar, at codon 1105 of the LRP2 protein (p.Ala1105Pro). This variant is present in population databases (rs377021833, gnomAD 0.04%). This variant has not been reported in the literature in individuals affected with LRP2-related conditions. ClinVar contains an entry for this variant (Variation ID: 3539661). Invitae Evidence Modeling of protein sequence and biophysical properties (such as structural, functional, and spatial information, amino acid conservation, physicochemical variation, residue mobility, and thermodynamic stability) indicates that this missense variant is not expected to disrupt LRP2 protein function with a negative predictive value of 95%. In summary, the available evidence is currently insufficient to determine the role of this variant in disease. Therefore, it has been classified as a Variant of Uncertain Significance.

Ambry Genetics
Classification: Uncertain significance for Inborn genetic diseases. Last evaluated: 2024-08-06. Review status: criteria provided, single submitter. Criteria: Ambry Variant Classification Scheme 2023. Collection method: clinical testing. Allele origin: germline.

Juno Genomics, Hangzhou Juno Genomics, Inc
Classification: Uncertain significance for Donnai-Barrow syndrome. Review status: criteria provided, single submitter. Criteria: ACMG Guidelines, 2015. Collection method: clinical testing. Allele origin: germline.
Comment: Absent from controls (or at extremely low frequency if recessive) in Genome Aggregation Database.;Missense variant in a gene that has a low rate of benign missense variation.;Multiple lines of computational evidence suggest no impact on gene or gene product.